The following is an entry in ClinVar:

ClinVar aggregate classification (germline): Uncertain significance (1 of 4 stars; one submission).

Submission:

Labcorp Genetics (formerly Invitae), Labcorp
Classification: Uncertain significance. Last evaluated: 2023-02-22. Review status: criteria provided, single submitter. Criteria: Invitae Variant Classification Sherloc (09022015). Collection method: clinical testing. Allele origin: germline.
Comment: In summary, the available evidence is currently insufficient to determine the role of this variant in disease. Therefore, it has been classified as a Variant of Uncertain Significance. Algorithms developed to predict the effect of missense changes on protein structure and function output the following: SIFT: "Not Available"; PolyPhen-2: "Benign"; Align-GVGD: "Not Available". The histidine amino acid residue is found in multiple mammalian species, which suggests that this missense change does not adversely affect protein function. This variant has not been reported in the literature in individuals affected with TRPC3-related conditions. This variant is not present in population databases (gnomAD no frequency). This sequence change replaces glutamine, which is neutral and polar, with histidine, which is basic and polar, at codon 572 of the TRPC3 protein (p.Gln572His).

NM_001130698.2(TRPC3):c.1716G>C (p.Gln572His)

Gene: TRPC3 (transient receptor potential cation channel subfamily C member 3; minus strand). Cytogenetic location: 4q27.
Variant type: single nucleotide variant.
Coding change: c.1716G>C on transcript NM_001130698.2 (MANE Select); coding-DNA position 1716, G replaced by C.
Protein change: p.Gln572His; replaces glutamine 572 with histidine.
Molecular consequence: missense variant.
Genome position (GRCh38, 1-based): chr4:121,910,230, C>G on the plus strand (G>C on the coding strand, the complement: TRPC3 is on the minus strand). VCF-style: chr4-121910230-C-G. GRCh37 (hg19) VCF-style: chr4-122831385-C-G.
Other names: c.1716G>C, p.Gln572His (NM_001366479.2); c.1497G>C, p.Gln499His (NM_003305.2); short protein forms Q499H, Q572H.
Identifiers: ClinVar variation 2840053 (VCV002840053.3), dbSNP rs911390534, ClinGen allele CA358057539.
Genomic context (GRCh38, chr4:121,910,230, plus strand): 5'-TATCTCTGGTGGGAGTGTCACTTCACTGAGGTCACTCTCTTGGACGTAACTGTCCACATA[C>G]TGTTGTGCCTTCGTTGCCTGAAGGAAAGCTAGGAATCTGGCTGTGAAAGCAGCAATGAAG-3'
Protein context (NP_001124170.1, residues 562-582): LAFLQATKAQ[Gln572His]YVDSYVQESD